The following is an entry in ClinVar:

ClinVar aggregate classification (germline): Uncertain significance. Review status: criteria provided, multiple submitters, no conflicts (2 of 4 stars). 3 submissions from 3 submitters: Uncertain significance (3). Last evaluated 2026-02-01.

Conditions:
Emery-Dreifuss muscular dystrophy (EDMD). Also called: Scapuloperoneal syndrome, X-linked (formerly); Humeroperoneal neuromuscular disease, (formerly). Identifiers: Orphanet 261, MedGen C0410189, MONDO:0016830.

Allele frequency attached by ClinVar (database versions not stated): 1000 Genomes Project 0.00020; gnomAD 0.00030 and 0.00031; 1000 Genomes Project 30x 0.00031; ExAC 0.00036; TOPMed 0.00038; gnomAD exomes 0.00041 and 0.00060; ESP Exome Variant Server 0.00064.
gnomAD v4.1: 919 of 1,614,200 alleles (0.057%); highest among the groups gnomAD compares: Non-Finnish European, 0.072%; no homozygotes.

Submissions (3):

Labcorp Genetics (formerly Invitae), Labcorp
Classification: Uncertain significance for Emery-Dreifuss muscular dystrophy. Last evaluated: 2026-02-01. Review status: criteria provided, single submitter. Criteria: Invitae Variant Classification Sherloc (09022015). Collection method: clinical testing. Allele origin: germline.
Comment: This sequence change replaces threonine, which is neutral and polar, with methionine, which is neutral and non-polar, at codon 112 of the SUN1 protein (p.Thr112Met). This variant is present in population databases (rs183872262, gnomAD 0.07%), and has an allele count higher than expected for a pathogenic variant. This variant has not been reported in the literature in individuals affected with SUN1-related conditions. ClinVar contains an entry for this variant (Variation ID: 530823). An algorithm developed to predict the effect of missense changes on protein structure and function (PolyPhen-2) suggests that this variant is likely to be tolerated. In summary, the available evidence is currently insufficient to determine the role of this variant in disease. Therefore, it has been classified as a Variant of Uncertain Significance.

CeGaT Center for Human Genetics Tuebingen
Classification: Uncertain significance. Last evaluated: 2024-03-01. Review status: criteria provided, single submitter. Criteria: CeGaT Center For Human Genetics Tuebingen Variant Classification Criteria Version 2. Collection method: clinical testing. Allele origin: germline. Affected: yes. Observed: 1 variant allele.

Breakthrough Genomics
Classification: Uncertain significance. Review status: criteria provided, single submitter. Criteria: ACMG Guidelines, 2015. Collection method: not provided. Allele origin: germline. Inheritance: Unknown mechanism. Affected: yes.

NM_001130965.3(SUN1):c.335C>T (p.Thr112Met)

Gene: SUN1 (Sad1 and UNC84 domain containing 1; plus strand). Cytogenetic location: 7p22.3.
Variant type: single nucleotide variant.
Coding change: c.335C>T on transcript NM_001130965.3 (MANE Select); coding-DNA position 335, C replaced by T.
Protein change: p.Thr112Met; replaces threonine 112 with methionine.
Molecular consequence: missense variant. On other transcripts: 5 prime UTR variant (4), non-coding transcript variant (3).
Genome position (GRCh38, 1-based): chr7:842,014, C>T. VCF-style: chr7-842014-C-T. GRCh37 (hg19) VCF-style: chr7-881651-C-T.
Other names: c.335C>T, p.Thr112Met (NM_001171944.2, NM_001171946.2, NM_001367633.1 and 34 more transcripts); c.398C>T, p.Thr133Met (NM_001171945.2); c.-123C>T (NM_001367635.1); c.185C>T, p.Thr62Met (NM_001367636.1, NM_001367637.1, NM_001367644.1 and 24 more transcripts); c.-233C>T (NM_001367639.1, NM_001367708.1); c.554C>T, p.Thr185Met (NM_001367651.1); c.-427C>T (NM_001367658.1); c.146C>T, p.Thr49Met (NM_001367695.1); short protein forms T112M, T133M, T185M, T49M, T62M.
Identifiers: ClinVar variation 530823 (VCV000530823.31), dbSNP rs183872262, ClinGen allele CA4111472.
Genomic context (GRCh38, chr7:842,014, plus strand): 5'-AACAGCGCAGAAGCACAAACAAATCAGCTTTTAGTATCAACCACGTGTCAAGGCAGGTCA[C>T]GTCCTCTGGCGTCAGCCACGGCGGCACTGTCAGCCTGCAGGATGCTGTGACTCGACGGCC-3'
Protein context (NP_001124437.1, residues 102-122): FSINHVSRQV[Thr112Met]SSGVSHGGTV